The following is an entry in ClinVar:

ClinVar aggregate classification (germline): Uncertain significance (1 of 4 stars; one submission).

Conditions:
Hereditary cancer-predisposing syndrome. Also called: Hereditary Cancer Syndrome; Hereditary neoplastic syndrome; Neoplastic Syndromes, Hereditary; Tumor predisposition. Identifiers: Orphanet 140162, MedGen C0027672, MeSH D009386, MONDO:0015356.

Submission:

Ambry Genetics
Classification: Uncertain significance for Hereditary cancer-predisposing syndrome. Last evaluated: 2024-10-24. Review status: criteria provided, single submitter. Criteria: Ambry Variant Classification Scheme 2023. Collection method: clinical testing. Allele origin: germline.
Comment: The p.V1537A variant (also known as c.4610T>C), located in coding exon 31 of the SMARCA4 gene, results from a T to C substitution at nucleotide position 4610. The valine at codon 1537 is replaced by alanine, an amino acid with similar properties. This amino acid position is highly conserved in available vertebrate species. In addition, the in silico prediction for this alteration is inconclusive. Based on the available evidence, the clinical significance of this variant remains unclear.

NM_003072.5(SMARCA4):c.4514T>C (p.Val1505Ala)

Gene: SMARCA4 (SWI/SNF related BAF chromatin remodeling complex subunit ATPase 4; plus strand). Cytogenetic location: 19p13.2.
Variant type: single nucleotide variant.
Coding change: c.4514T>C on transcript NM_003072.5 (MANE Select); coding-DNA position 4514, T replaced by C.
Protein change: p.Val1505Ala; replaces valine 1505 with alanine.
Molecular consequence: missense variant. On other transcripts: non-coding transcript variant (1).
Genome position (GRCh38, 1-based): chr19:11,058,344, T>C. VCF-style: chr19-11058344-T-C. GRCh37 (hg19) VCF-style: chr19-11169020-T-C.
Other names: c.4514T>C, p.Val1505Ala (NM_001128844.3); c.4424T>C, p.Val1475Ala (NM_001128845.2); c.4421T>C, p.Val1474Ala (NM_001128846.2); c.4415T>C, p.Val1472Ala (NM_001128847.4, NM_001374457.1); c.4412T>C, p.Val1471Ala (NM_001128848.2); c.4610T>C, p.Val1537Ala (NM_001128849.3, NM_001387283.1); c.4511T>C, p.Val1504Ala (NM_001411150.1); short protein forms V1475A, V1472A, V1471A, V1537A, V1474A, V1504A, V1505A.
Identifiers: ClinVar variation 1741893 (VCV001741893.3), dbSNP rs2147088041, ClinGen allele CA404077861.